The following is an entry in ClinVar:

ClinVar aggregate classification (germline): Uncertain significance (1 of 4 stars; one submission).

Conditions:
Muscular dystrophy-dystroglycanopathy (congenital with impaired intellectual development), type B, 1. Also called: Muscular dystrophy-dystroglycanopathy (congenital with intellectual disability), type B1; MUSCULAR DYSTROPHY, CONGENITAL, POMT1-RELATED. Identifiers: MedGen C5436962, MONDO:0013159, OMIM 613155.
Walker-Warburg congenital muscular dystrophy. Also called: Muscular dystrophy-dystroglycanopathy, type A; Walker-Warburg syndrome. Identifiers: Orphanet 899, MedGen C0265221, MONDO:0000171.
Autosomal recessive limb-girdle muscular dystrophy type 2K. Also called: MUSCULAR DYSTROPHY-DYSTROGLYCANOPATHY (LIMB-GIRDLE), TYPE C, 1; MUSCULAR DYSTROPHY, LIMB-GIRDLE, TYPE 2K. Identifiers: Orphanet 86812, MedGen C1836373, MONDO:0012248, OMIM 609308.

Submission:

Labcorp Genetics (formerly Invitae), Labcorp
Classification: Uncertain significance for Muscular dystrophy-dystroglycanopathy (congenital with impaired intellectual development), type B, 1; Walker-Warburg congenital muscular dystrophy; Autosomal recessive limb-girdle muscular dystrophy type 2K. Last evaluated: 2022-03-20. Review status: criteria provided, single submitter. Criteria: Invitae Variant Classification Sherloc (09022015). Collection method: clinical testing. Allele origin: germline.
Comment: This sequence change replaces histidine, which is basic and polar, with asparagine, which is neutral and polar, at codon 503 of the POMT1 protein (p.His503Asn). In summary, the available evidence is currently insufficient to determine the role of this variant in disease. Therefore, it has been classified as a Variant of Uncertain Significance. Algorithms developed to predict the effect of missense changes on protein structure and function are either unavailable or do not agree on the potential impact of this missense change (SIFT: "Tolerated"; PolyPhen-2: "Probably Damaging"; Align-GVGD: "Class C0"). This variant has not been reported in the literature in individuals affected with POMT1-related conditions. This variant is not present in population databases (gnomAD no frequency).

NM_001077365.2(POMT1):c.1441C>A (p.His481Asn)

Gene: POMT1 (protein O-mannosyltransferase 1; plus strand). Cytogenetic location: 9q34.13.
Variant type: single nucleotide variant.
Coding change: c.1441C>A on transcript NM_001077365.2 (MANE Select); coding-DNA position 1441, C replaced by A.
Protein change: p.His481Asn; replaces histidine 481 with asparagine.
Molecular consequence: missense variant. On other transcripts: non-coding transcript variant (10), intron variant (1).
Genome position (GRCh38, 1-based): chr9:131,518,912, C>A. VCF-style: chr9-131518912-C-A. GRCh37 (hg19) VCF-style: chr9-134394299-C-A.
Other names: c.1441C>A, p.His481Asn (NM_001136113.2); c.1090C>A, p.His364Asn (NM_001136114.2, NM_001353195.2, NM_001374691.1 and 2 more transcripts); c.1507C>A, p.His503Asn (NM_001353193.2, NM_007171.4); c.1279C>A, p.His427Asn (NM_001353194.2, NM_001077366.2); c.1351C>A, p.His451Asn (NM_001353196.2); c.1345C>A, p.His449Asn (NM_001353197.2, NM_001353198.2); c.1156C>A, p.His386Asn (NM_001353199.2); c.985C>A, p.His329Asn (NM_001353200.2); and 4 more; short protein forms H386N, H449N, H503N, H104N, H351N, H477N, H481N, H329N.
Identifiers: ClinVar variation 2114941 (VCV002114941.4), dbSNP rs1334646753, ClinGen allele CA375311995.